The following is an entry in ClinVar:

ClinVar aggregate classification (germline): Uncertain significance (1 of 4 stars; one submission).

Conditions:
Pyruvate carboxylase deficiency. Also called: PC DEFICIENCY; ATAXIA WITH LACTIC ACIDOSIS II; Pyruvate Carboxylase Deficiency Disease; LEIGH NECROTIZING ENCEPHALOPATHY DUE TO PYRUVATE CARBOXYLASE DEFICIENCY; LEIGH SYNDROME DUE TO PYRUVATE CARBOXYLASE DEFICIENCY. Identifiers: Orphanet 3008, MedGen C0034341, MONDO:0009949, OMIM 266150.

gnomAD v4.1: 2 of 1,613,826 alleles (0.00012%); highest among the groups gnomAD compares: Non-Finnish European, 0.00017%; no homozygotes.

Submission:

Labcorp Genetics (formerly Invitae), Labcorp
Classification: Uncertain significance for Pyruvate carboxylase deficiency. Last evaluated: 2021-12-02. Review status: criteria provided, single submitter. Criteria: Invitae Variant Classification Sherloc (09022015). Collection method: clinical testing. Allele origin: germline.
Comment: This sequence change replaces arginine, which is basic and polar, with glycine, which is neutral and non-polar, at codon 147 of the PC protein (p.Arg147Gly). This variant is not present in population databases (gnomAD no frequency). This variant has not been reported in the literature in individuals affected with PC-related conditions. Algorithms developed to predict the effect of missense changes on protein structure and function (SIFT, PolyPhen-2, Align-GVGD) all suggest that this variant is likely to be tolerated. In summary, the available evidence is currently insufficient to determine the role of this variant in disease. Therefore, it has been classified as a Variant of Uncertain Significance.

NM_001040716.2(PC):c.439C>G (p.Arg147Gly)

Gene: PC (pyruvate carboxylase; minus strand). Cytogenetic location: 11q13.2.
Variant type: single nucleotide variant.
Coding change: c.439C>G on transcript NM_001040716.2 (MANE Select); coding-DNA position 439, C replaced by G.
Protein change: p.Arg147Gly; replaces arginine 147 with glycine.
Molecular consequence: missense variant.
Genome position (GRCh38, 1-based): chr11:66,871,363, G>C on the plus strand (C>G on the coding strand, the complement: PC is on the minus strand). VCF-style: chr11-66871363-G-C. GRCh37 (hg19) VCF-style: chr11-66638834-G-C.
Other names: c.439C>G, p.Arg147Gly (NM_022172.3, NM_000920.4); short protein forms R147G.
Identifiers: ClinVar variation 1386098 (VCV001386098.3), dbSNP rs529087425, ClinGen allele CA381502433.